The following is an entry in ClinVar:

ClinVar aggregate classification (germline): Uncertain significance (1 of 4 stars; one submission).

Conditions:
Developmental and epileptic encephalopathy, 9 (DEE9). Also called: JUBERG-HELLMAN SYNDROME; PCDH19-Related X-Linked Female-Limited Epilepsy with Mental Retardation; Early infantile epileptic encephalopathy 9; EPILEPSY, FEMALE-RESTRICTED, WITH MENTAL RETARDATION. Identifiers: Orphanet 101039, Orphanet 2076, MedGen C1848137, MONDO:0010246, OMIM 300088. Disease mechanism: loss of function.

Submission:

3billion
Classification: Uncertain significance for Developmental and epileptic encephalopathy, 9. Last evaluated: 2025-12-12. Review status: criteria provided, single submitter. Criteria: ACMG Guidelines, 2015. Collection method: clinical testing. Allele origin: germline. Affected: yes.
Comment: The variant is not observed in the gnomAD v4.1.0 dataset. Predicted Consequence/Location: Missense variant In silico tool predictions suggest damaging effect of the variant on gene or gene product [REVEL: 0.62 (>=0.6, sensitivity 0.68 and specificity 0.92); 3Cnet: 0.99 (> 0.75, sensitivity 0.96 and precision 0.92)]. Different missense changes at the same codon (p.Asp233Asn, p.Asp233Gly, p.Asp233Tyr, p.Asp233Val) have been reported as pathogenic/likely pathogenic with strong evidence (ClinVar ID: VCV000447920 /PMID: 29190809, 30034362, 39787995). Therefore, this variant is classified as VUS according to the recommendation of ACMG/AMP guideline.

Literature cited by the submitters: PubMed 29190809.

NM_001184880.2(PCDH19):c.699C>G (p.Asp233Glu)

Gene: PCDH19 (protocadherin 19; minus strand). Cytogenetic location: Xq22.1.
Variant type: single nucleotide variant.
Coding change: c.699C>G on transcript NM_001184880.2 (MANE Select); coding-DNA position 699, C replaced by G.
Protein change: p.Asp233Glu; replaces aspartic acid 233 with glutamic acid.
Molecular consequence: missense variant.
Genome position (GRCh38, 1-based): chrX:100,407,899, G>C on the plus strand (C>G on the coding strand, the complement: PCDH19 is on the minus strand). VCF-style: chrX-100407899-G-C. GRCh37 (hg19) VCF-style: chrX-99662897-G-C.
Other names: c.699C>G, p.Asp233Glu (NM_001105243.2, NM_020766.3); short protein forms D233E.
Identifiers: ClinVar variation 4855988 (VCV004855988.1).